The following is an entry in ClinVar:

ClinVar aggregate classification (germline): Uncertain significance (1 of 4 stars; one submission).

Submission:

CeGaT Center for Human Genetics Tuebingen
Classification: Uncertain significance. Last evaluated: 2024-08-01. Review status: criteria provided, single submitter. Criteria: CeGaT Center For Human Genetics Tuebingen Variant Classification Criteria Version 2. Collection method: clinical testing. Allele origin: germline. Affected: yes. Observed: 1 variant allele.
Comment: SCN9A: PM2

NM_001365536.1(SCN9A):c.3622G>A (p.Ala1208Thr)

Genes: SCN1A-AS1 (SCN1A and SCN9A antisense RNA 1; plus strand), SCN9A (sodium voltage-gated channel alpha subunit 9; minus strand). Cytogenetic location: 2q24.3.
Variant type: single nucleotide variant.
Coding change: c.3622G>A on transcript NM_001365536.1 (MANE Select); coding-DNA position 3622, G replaced by A.
Protein change: p.Ala1208Thr; replaces alanine 1208 with threonine.
Molecular consequence: missense variant.
Genome position (GRCh38, 1-based): chr2:166,242,507, C>T on the plus strand (G>A on the coding strand, the complement: SCN9A is on the minus strand). VCF-style: chr2-166242507-C-T. GRCh37 (hg19) VCF-style: chr2-167099017-C-T.
Other names: c.3589G>A, p.Ala1197Thr (NM_002977.4); short protein forms A1197T, A1208T.
Identifiers: ClinVar variation 3342027 (VCV003342027.16).